The following is an entry in ClinVar:

NM_001197104.2(KMT2A):c.839_843del (p.Pro280fs)

Gene: KMT2A (lysine methyltransferase 2A; plus strand). Cytogenetic location: 11q23.3.
Variant type: Microsatellite.
Coding change: c.839_843del on transcript NM_001197104.2 (MANE Select); coding-DNA positions 839 to 843, 5 bases deleted (CTCTC; older notation c.839_843delCTCTC).
Protein change: p.Pro280fs; shifts the reading frame from proline 280.
Molecular consequence: frameshift variant.
Genome position (GRCh38, 1-based): chr11:118,471,998-118,472,002, CTCTC deleted; deleting any 5 consecutive bases within chr11:118,471,993-118,472,002 gives the same sequence; the c. name uses the placement nearest the transcript's 3' end. VCF-style (leftmost placement, unchanged base first): chr11-118471992-TCTCTC-T. GRCh37 (hg19) VCF-style: chr11-118342707-TCTCTC-T.
Other names: c.839_843del, p.Pro280fs (NM_005933.4); short protein forms P280fs.
Identifiers: ClinVar variation 1704074 (VCV001704074.5), dbSNP rs2496793671, ClinGen allele CA2580615082.

ClinVar aggregate classification (germline): Pathogenic. Review status: criteria provided, multiple submitters, no conflicts (2 of 4 stars). 3 submissions from 3 submitters: Pathogenic (3). Last evaluated 2025-02-21.

Conditions:
Wiedemann-Steiner syndrome (WDSTS). Also called: Growth deficiency and mental retardation with facial dysmorphism. Identifiers: Orphanet 319182, MedGen C1854630, MONDO:0011518, OMIM 605130.

Submissions (3):

Laboratoire Génétique Moléculaire, CHRU TOURS
Classification: Pathogenic for Wiedemann-Steiner syndrome. Last evaluated: 2025-02-21. Review status: criteria provided, single submitter. Criteria: ACMG Guidelines, 2015. Collection method: clinical testing. Allele origin: de novo. Affected: yes.
Comment: PVS1;PS2;PM2;PP5

Dasa
Classification: Pathogenic for Wiedemann-Steiner syndrome. Last evaluated: 2024-10-22. Review status: criteria provided, single submitter. Criteria: DASA Assertion Criteria. Collection method: clinical testing. Allele origin: germline.
Comment: NM_001197104.2(KMT2A):c.839_843del (p.Pro280Glnfs*3) is a frameshift variant in KMT2A predicted to alter the reading frame and introduce a premature termination codon and is predicted to result in an absent or altered protein product. Loss of function is an established disease mechanism for KMT2A (PMID: 22795537; PMID: 24818805; PMID: 27759909). This variant has been reported in individuals with KMT2A-related disorders. Published studies describe this variant in association with related phenotype (PMID: 31710778). Also, this variant is absent from population databases. Based on the currently available evidence, this variant is classified as pathogenic.

GeneDx
Classification: Pathogenic. Last evaluated: 2022-02-25. Review status: criteria provided, single submitter. Criteria: GeneDx Variant Classification Process June 2021. Collection method: clinical testing. Allele origin: germline. Affected: yes.
Comment: Frameshift variant predicted to result in protein truncation or nonsense-mediated decay in a gene for which loss-of-function is a known mechanism of disease; Not observed at significant frequency in large population cohorts (gnomAD); This variant is associated with the following publications: (PMID: 31710778)

Literature cited by the submitters: PubMed 31710778 (cited by Dasa); PubMed 22795537 (cited by Dasa); PubMed 24818805 (cited by Dasa); PubMed 27759909 (cited by Dasa).